The following is an entry in ClinVar:

NM_001036.6(RYR3):c.12061G>A (p.Val4021Met)

Gene: RYR3 (ryanodine receptor 3; plus strand). Cytogenetic location: 15q14.
Variant type: single nucleotide variant.
Coding change: c.12061G>A on transcript NM_001036.6 (MANE Select); coding-DNA position 12061, G replaced by A.
Protein change: p.Val4021Met; replaces valine 4021 with methionine.
Molecular consequence: missense variant.
Genome position (GRCh38, 1-based): chr15:33,838,041, G>A. VCF-style: chr15-33838041-G-A. GRCh37 (hg19) VCF-style: chr15-34130242-G-A.
Other names: c.12046G>A, p.Val4016Met (NM_001243996.4); short protein forms V4016M, V4021M.
Identifiers: ClinVar variation 3902759 (VCV003902759.1).
Genomic context (GRCh38, chr15:33,838,041, plus strand): 5'-CTTTCTGAACACATGCCAAACGATTCCCGCCTGAAGTGTCTGTTGGACCCAGCAGAAAGT[G>A]TGCTAAATTACTTCGAACCCTACCTAGGACGCATCGAGATCATGGGTGGGGCCAAGAAGA-3'
Protein context (NP_001027.3, residues 4011-4031): LKCLLDPAES[Val4021Met]LNYFEPYLGR

ClinVar aggregate classification (germline): Uncertain significance (1 of 4 stars; one submission).

gnomAD v4.1: 1 of 1,614,002 alleles (0.000062%); highest among the groups gnomAD compares: Non-Finnish European, 0.000085%; no homozygotes.

Submission:

Women's Health and Genetics/Laboratory Corporation of America, LabCorp
Classification: Uncertain significance. Last evaluated: 2025-05-30. Review status: criteria provided, single submitter. Criteria: LabCorp Variant Classification Summary - May 2015. Collection method: clinical testing. Allele origin: germline.
Comment: Variant summary: RYR3 c.12061G>A (p.Val4021Met) results in a conservative amino acid change in the encoded protein sequence. Algorithms developed to predict the effect of missense changes on protein structure and function are either unavailable or do not agree on the potential impact of this missense change. The variant allele was found at a frequency of 6.2e-07 in 1607028 control chromosomes in the gnomAD database (v4.1 dataset). The available data on variant occurrences in the general population are insufficient to allow any conclusion about variant significance. To our knowledge, no occurrence of c.12061G>A in individuals affected with Congenital Myopathy 20 and no experimental evidence demonstrating its impact on protein function have been reported. No submitters have cited clinical-significance assessments for this variant to ClinVar. Based on the evidence outlined above, the variant was classified as uncertain significance.